The following continues an entry in ClinVar:

NM_000016.6(ACADM):c.985A>G (p.Lys329Glu)

Gene: ACADM. ClinVar aggregate classification (germline): Pathogenic/Likely pathogenic. Pathogenic (50); Likely pathogenic (3).

Submissions 10 to 22 of 59:

Genomic Medicine Center of Excellence, King Faisal Specialist Hospital and Research Centre
Classification: Pathogenic for Medium-chain acyl-coenzyme A dehydrogenase deficiency. Last evaluated: 2025-09-10. Review status: criteria provided, single submitter. Criteria: ACMG Guidelines, 2015. Collection method: clinical testing. Allele origin: germline.

Victorian Clinical Genetics Services, Murdoch Childrens Research Institute
Classification: Pathogenic for Medium-chain acyl-coenzyme A dehydrogenase deficiency. Last evaluated: 2025-08-26. Review status: criteria provided, single submitter. Criteria: ACMG Guidelines, 2015. Collection method: clinical testing. Allele origin: germline.
Comment: This variant is classified as Pathogenic. Evidence in support of pathogenic classification: Variant is present in gnomAD (v4) <0.01 for a recessive condition (9,360 heterozygotes, 19 homozygotes). It is a known founder mutation within the Northern European population (PMID: 20301597); This variant has very strong previous evidence of pathogenicity in unrelated individuals. Also known as p.(Lys304Glu) in the literature, this variant accounts for 56-91% of MCAD-deficiency causing alleles (PMID: 20301597, ClinVar). This variant has also been reported in the heterozygous state in individuals with false positive newborn screening results for MCAD-deficiency who were later determined to be unaffected by confirmatory testing (PMID: 23151387). Additional information: Variant is predicted to result in a missense amino acid change from lysine to glutamic acid; This variant is heterozygous; This gene is associated with autosomal recessive disease; Variant is located in the annotated Acyl-CoA dehydrogenase, C-terminal domain (DECIPHER); Missense variant with conflicting in silico predictions and uninformative conservation; Loss of function is a known mechanism of disease in this gene and is associated with deficiency of medium chain acyl-CoA dehydrogenase (MCAD) (MIM#201450); Variants in this gene are known to have variable expressivity. Clinical presentation varies from asymptomatic to fulminant course (OMIM).

ARUP Laboratories, Molecular Genetics and Genomics, ARUP Laboratories
Classification: Pathogenic for Medium-chain acyl-coenzyme A dehydrogenase deficiency. Last evaluated: 2025-07-14. Review status: criteria provided, single submitter. Criteria: ARUP Molecular Germline Variant Investigation Process 2024. Collection method: clinical testing. Allele origin: germline.
Comment: The ACADM c.985A>G; p.Lys329Glu variant (rs77931234) is the most common pathogenic variant associated with MCAD deficiency (Andresen 2001, Sturm 2012, Yokota 1990). Functional characterization of fibroblasts from homozygous individuals show reduced residual enzymatic activity (Sturm 2012) with the variant protein below the detection level in western blot analysis (Yokota 1990). The variant is listed as pathogenic in ClinVar (Variation ID: 3586), and observed in the general population in 0.33% (941/282,786 alleles, including 1 homozygote) in the Genome Aggregation Database (v2.1.1). Based on the above information, the p.Lys329Glu variant is classified as pathogenic. References: Andresen B et al. Medium-chain acyl-CoA dehydrogenase (MCAD) mutations identified by MS/MS-based prospective screening of newborns differ from those observed in patients with clinical symptoms: identification and characterization of a new, prevalent mutation that results in mild MCAD deficiency. Am J Hum Genet. 2001; 68(6):1408-18. PMID: 11349232. Sturm M et al. Functional effects of different medium-chain acyl-CoA dehydrogenase genotypes and identification of asymptomatic variants. PLoS One. 2012 7(9):e45110. PMID: 23028790. Yokota I et al. Molecular basis of medium chain acyl-coenzyme A dehydrogenase deficiency. An A to G transition at position 985 that causes a lysine-304 to glutamate substitution in the mature protein is the single prevalent mutation. J Clin Invest. 1990; 86(3):1000-3. PMID: 2394825.

3billion
Classification: Pathogenic for Medium-chain acyl-coenzyme A dehydrogenase deficiency. Last evaluated: 2025-03-19. Review status: criteria provided, single submitter. Criteria: ACMG Guidelines, 2015. Collection method: clinical testing. Allele origin: germline. Affected: yes.
Comment: The variant is observed at an extremely low frequency in the gnomAD v4.1.0 dataset (total allele frequency: 0.582%). Predicted Consequence/Location: Missense variant In silico tool predictions suggest damaging effect of the variant on gene or gene product [REVEL: 0.69 (>=0.6, sensitivity 0.68 and specificity 0.92); 3Cnet: 0.99 (> 0.75, sensitivity 0.96 and precision 0.92)]. The same nucleotide change resulting in the same amino acid change has been previously reported as pathogenic/likely pathogenic with strong evidence (ClinVar ID: VCV000003586 / PMID: 2393404 / 3billion dataset). The variant has been reported to be in trans with a pathogenic variant as either compound heterozygous or homozygous in at least one similarly affected unrelated individual (3billion dataset). A different missense change at the same codon (p.Lys329Gln) has been reported to be associated with ACADM-related disorder (ClinVar ID: VCV000226057). Therefore, this variant is classified as Pathogenic according to the recommendation of ACMG/AMP guideline.

Center for Genomic Medicine, Rigshospitalet, Copenhagen University Hospital
Classification: Pathogenic. Last evaluated: 2025-03-04. Review status: criteria provided, single submitter. Criteria: ACMG Guidelines, 2015. Collection method: clinical testing. Allele origin: germline.

Department of Human Genetics, Hannover Medical School
Classification: Likely pathogenic for Medium-chain acyl-coenzyme A dehydrogenase deficiency. Last evaluated: 2025-01-22. Review status: criteria provided, single submitter. Criteria: ACMG Guidelines, 2015. Collection method: clinical testing. Allele origin: germline. Inheritance: Autosomal recessive inheritance. Affected: yes.
Comment: ACMG: PS3_Supporting, PM1_Supporting, PP3, PP4_Strong

Mayo Clinic Laboratories, Mayo Clinic
Classification: Pathogenic. Last evaluated: 2025-01-20. Review status: criteria provided, single submitter. Criteria: ACMG Guidelines, 2015. Collection method: clinical testing. Allele origin: germline. Observed: 17 variant alleles.

Blueprint Genetics
Classification: Pathogenic for ACADM-related disorders. Last evaluated: 2024-11-26. Review status: criteria provided, single submitter. Criteria: ACMG Guidelines, 2015. Collection method: clinical testing. Allele origin: germline. Affected: yes. Observed: 5 variant alleles.

Dubai Health Genomic Medicine Center, Dubai Health
Classification: Pathogenic for Acyl-CoA dehydrogenase, medium chain, deficiency of. Last evaluated: 2024-10-04. Review status: criteria provided, single submitter. Criteria: ACMG Guidelines, 2015. Collection method: research. Allele origin: germline. Affected: yes.
Comment: PS3,PM3(very strong),PM2,PP3

Ambry Genetics
Classification: Pathogenic for Inborn genetic diseases. Last evaluated: 2024-09-23. Review status: criteria provided, single submitter. Criteria: Ambry Variant Classification Scheme 2023. Collection method: clinical testing. Allele origin: germline.
Comment: The c.985A>G (p.K329E) alteration is located in coding exon 11 of the ACADM gene. This alteration results from an A to G substitution at nucleotide position 985, causing the lysine (K) at amino acid position 329 to be replaced by a glutamic acid (E). Based on data from gnomAD, the G allele has an overall frequency of 0.33% (941/282786) total alleles studied. The highest observed frequency was 0.62% (800/129138) of European (non-Finnish) alleles. This is the most common ACADM mutation in Western Europe population and has been reported in a homozygous state or compound heterozygous with other pathogenic alterations in ACADM in multiple unrelated patients (Matsubara, 1990; Waddell, 2006; Arnold, 2010). This amino acid position is highly conserved in available vertebrate species. Functional analysis on lymphocytes from individuals who are homozygous for the p.K329E alteration showed low enzyme activity (0-8%), and heterozygous carriers of the p.K329E alteration had reduced enzyme activity (12-87%; Sturm, 2012). This alteration is predicted to be deleterious by in silico analysis. Based on the available evidence, this alteration is classified as pathogenic.

Department of Genetics of Metabolic Diseases, Institute of Medical & Molecular Genetics, Hospital Universitario Hospital La Paz
Classification: Pathogenic for Medium-chain acyl-coenzyme A dehydrogenase deficiency. Last evaluated: 2024-09-01. Review status: criteria provided, single submitter. Criteria: ACMG Guidelines, 2015. Collection method: clinical testing. Allele origin: germline. Inheritance: Autosomal recessive inheritance. Affected: yes.
Comment: The variant NM_000016.5:c.985A>G p.(Lys329Glu) in ACADM is present in gnomAD (0.3328%) and it is considered a common pathogenic variant associated with MCAD. Computational prediction tools support a deleterious effect on the gene and functional studies in fibroblasts confirm this variant reduces significatively MCAD´s activity (PMID: 23028790). It has been widely reported in homozygous and compound heterozygous individuals with MCADD (20301597, 35281663, 16737882, 19224950, 8770876, Hidalgo Mayoral I et al., in press).

Revvity Omics, Revvity
Classification: Pathogenic for Medium-chain acyl-coenzyme A dehydrogenase deficiency. Last evaluated: 2024-08-23. Review status: criteria provided, single submitter. Criteria: ACMG Guidelines, 2015. Collection method: clinical testing. Allele origin: germline.

Quest Diagnostics Nichols Institute San Juan Capistrano
Classification: Pathogenic. Last evaluated: 2024-08-15. Review status: criteria provided, single submitter. Criteria: Quest Diagnostics criteria. Collection method: clinical testing. Allele origin: unknown.
Comment: The ACADM c.985A>G (p.Lys329Glu) variant (also known as K304E, K329E, K333E) has been reported in the homozygous and compound heterozygous state in numerous individuals with MCAD deficiency (PMIDs: 26947917 (2016), 26798524 (2015), 26223887 (2015), 8102510 (1993), 1902818 (1991), 2394825 (1990), 2393404 (1990), 2251268 (1990)). This variant is the most common variant among Caucasian populations and reportedly accounts for approximately 80%-90% of alleles of symptomatic patients (PMID: 26947917 (2016)). In addition, functional studies indicate this variant causes a significant reduction in ACADM enzyme activity and protein stability (PMIDs: 26947917 (2016), 24966162 (2014), 1902818 (1991)). Based on the available information, this variant is classified as pathogenic.